The following is an entry in ClinVar:

ClinVar aggregate classification (germline): Likely benign. Review status: criteria provided, single submitter (1 of 4 stars). 2 submissions from 2 submitters: Likely benign (1). 1 of the submissions does not count toward it. Last evaluated 2025-08-01.

Conditions:
NRP1-related disorder. Also called: NRP1-related condition.

Allele frequency attached by ClinVar (database versions not stated): 1000 Genomes Project 30x 0.00047; 1000 Genomes Project 0.00060; gnomAD exomes 0.00062; ESP Exome Variant Server 0.00085; TOPMed 0.00104; ExAC 0.00109; gnomAD 0.00117.

Submissions (2):

CeGaT Center for Human Genetics Tuebingen
Classification: Likely benign. Last evaluated: 2025-08-01. Review status: criteria provided, single submitter. Criteria: CeGaT Center For Human Genetics Tuebingen Variant Classification Criteria Version 2. Collection method: clinical testing. Allele origin: germline. Affected: yes. Observed: 1 variant allele.
Comment: NRP1: BP4, BP7

PreventionGenetics, part of Exact Sciences
Classification: Likely benign for NRP1-related condition. Last evaluated: 2019-06-19. Review status: no assertion criteria provided. Collection method: clinical testing. Allele origin: germline. Not counted in ClinVar's aggregate classification.
Comment: This variant is classified as likely benign based on ACMG/AMP sequence variant interpretation guidelines (Richards et al. 2015 PMID: 25741868, with internal and published modifications).

NM_003873.7(NRP1):c.1566C>T (p.Asn522=)

Gene: NRP1 (neuropilin 1; minus strand). Cytogenetic location: 10p11.22.
Variant type: single nucleotide variant.
Coding change: c.1566C>T on transcript NM_003873.7 (MANE Select); coding-DNA position 1566, C replaced by T.
Protein change: p.Asn522=; no amino-acid change (asparagine 522 retained).
Molecular consequence: synonymous variant. On other transcripts: non-coding transcript variant (1).
Genome position (GRCh38, 1-based): chr10:33,213,434, G>A on the plus strand (C>T on the coding strand, the complement: NRP1 is on the minus strand). VCF-style: chr10-33213434-G-A. GRCh37 (hg19) VCF-style: chr10-33502362-G-A.
Other names: c.1566C>T, p.Asn522= (NM_001024628.3, NM_001024629.3, NM_001244972.2 and 2 more transcripts).
Identifiers: ClinVar variation 3033411 (VCV003033411.10), dbSNP rs149438902, ClinGen allele CA5466620.